The following is an entry in ClinVar:

NM_022455.5(NSD1):c.6310C>T (p.Gln2104Ter)

Gene: NSD1 (nuclear receptor binding SET domain protein 1; plus strand). Cytogenetic location: 5q35.3.
Variant type: single nucleotide variant.
Coding change: c.6310C>T on transcript NM_022455.5 (MANE Select); coding-DNA position 6310, C replaced by T.
Protein change: p.Gln2104Ter; replaces glutamine 2104 with a stop codon.
Molecular consequence: nonsense.
Genome position (GRCh38, 1-based): chr5:177,292,005, C>T. VCF-style: chr5-177292005-C-T. GRCh37 (hg19) VCF-style: chr5-176719006-C-T.
Other names: c.5890C>T, p.Gln1964Ter (NM_001409304.1); c.5557C>T, p.Gln1853Ter (NM_001409305.1); c.5548C>T, p.Gln1850Ter (NM_001409306.1, NM_001409307.1); c.5437C>T, p.Gln1813Ter (NM_001409308.1, NM_172349.5, NM_001365684.2); c.5188C>T, p.Gln1730Ter (NM_001409309.1); c.6310C>T, p.Gln2104Ter (NM_001409301.1, NM_001409302.1, NM_001409303.1); short protein forms Q2104*, Q1835*, Q1813*, Q1964*, Q1850*, Q1730*, Q1853*.
Identifiers: ClinVar variation 159410 (VCV000159410.12), dbSNP rs587784188, ClinGen allele CA295055.

ClinVar aggregate classification (germline): Pathogenic/Likely pathogenic. Review status: criteria provided, multiple submitters, no conflicts (2 of 4 stars). 3 submissions from 3 submitters: Pathogenic (2); Likely pathogenic (1). Last evaluated 2025-11-24.

Conditions:
Sotos syndrome (SOTOS). Also called: Distinctive facial appearance, overgrowth in childhood, and learning disabilities or delayed development; CEREBRAL GIGANTISM; Sotos' syndrome; CHROMOSOME 5q35 DELETION SYNDROME; SOTOS SYNDROME 1. Identifiers: Orphanet 821, MedGen C0175695, MONDO:0019349, OMIM 117550.
NSD1-related disorder. Also called: NSD1-related condition.

Submissions (3):

PreventionGenetics, part of Exact Sciences
Classification: Likely pathogenic for NSD1-related condition. Last evaluated: 2025-11-24. Review status: criteria provided, single submitter. Criteria: ACMG Guidelines, 2015. Collection method: clinical testing. Allele origin: germline.
Comment: The NSD1 c.6310C>T variant is predicted to result in premature protein termination (p.Gln2104*). To our knowledge, this variant has not been reported in the literature or in a large population database, indicating this variant is rare. Nonsense variants in NSD1 are expected to be pathogenic. This variant is interpreted as likely pathogenic.

GeneDx
Classification: Pathogenic. Last evaluated: 2022-10-15. Review status: criteria provided, single submitter. Criteria: GeneDx Variant Classification Process June 2021. Collection method: clinical testing. Allele origin: germline. Affected: yes.
Comment: Nonsense variant predicted to result in protein truncation or nonsense mediated decay in a gene for which loss of function is a known mechanism of disease; Not observed at significant frequency in large population cohorts (gnomAD); Has not been previously published as pathogenic or benign to our knowledge

Genetic Services Laboratory, University of Chicago
Classification: Pathogenic for Sotos syndrome 1. Last evaluated: 2013-02-08. Review status: criteria provided, single submitter. Criteria: ACMG Guidelines, 2007. Collection method: clinical testing. Allele origin: germline. Inheritance: Autosomal dominant inheritance. Affected: yes.